The following is an entry in ClinVar:

NC_012920.1(MT-CO2):m.7751T>G

Gene: MT-CO2 (mitochondrially encoded cytochrome c oxidase II; plus strand).
Variant type: single nucleotide variant.
Genome position: chrM-7751-T-G.
Identifiers: ClinVar variation 692769 (VCV000692769.1), dbSNP rs1603221115, ClinGen allele CA414793569.

ClinVar aggregate classification (germline): Uncertain significance (1 of 4 stars; one submission).

Conditions:
Leigh syndrome (NULS). Also called: Leigh's necrotizing encephalopathy; Leigh's disease; Leigh Syndrome (mtDNA deletion); Leigh Disease; Subacute necrotizing encephalopathy; Necrotizing encephalopathy infantile subacute of Leigh. Identifiers: Orphanet 506, MedGen C2931891, MONDO:0009723, OMIM 256000.

Submission:

Wong Mito Lab, Molecular and Human Genetics, Baylor College of Medicine
Classification: Uncertain significance for Leigh syndrome. Last evaluated: 2019-10-17. Review status: criteria provided, single submitter. Criteria: Modified ACMG Guidelines (Unpublished). Collection method: clinical testing. Allele origin: germline.
Comment: The NC_012920.1:m.7751T>G (YP_003024029.1:p.Ser56Ala) variant in MTCO2 gene is interpretated to be a Uncertain Significance variant based on the modified ACMG guidelines (unpublished). This variant meets the following evidence codes: PP6, BP4